The following is an entry in ClinVar:

NM_000138.5(FBN1):c.7571-19C>G

Gene: FBN1 (fibrillin 1; minus strand). Cytogenetic location: 15q21.1.
Variant type: single nucleotide variant.
Coding change: c.7571-19C>G on transcript NM_000138.5 (MANE Select); 19 bases into the intron before coding-DNA position 7571, C replaced by G.
Molecular consequence: intron variant.
Genome position (GRCh38, 1-based): chr15:48,421,705, G>C on the plus strand (C>G on the coding strand, the complement: FBN1 is on the minus strand). VCF-style: chr15-48421705-G-C. GRCh37 (hg19) VCF-style: chr15-48713902-G-C.
Other names: c.7571-19C>G (NM_001406716.1).
Identifiers: ClinVar variation 3762314 (VCV003762314.2).

ClinVar aggregate classification (germline): Uncertain significance (1 of 4 stars; one submission).

Conditions:
Marfan syndrome (MFS). Also called: MARFAN SYNDROME, TYPE I; Marfan syndrome type 1; Marfan's syndrome; Marfan syndrome, classic; FBN1-Related Marfan Syndrome. Identifiers: Orphanet 284963, Orphanet 558, MedGen C0024796, MONDO:0007947, OMIM 154700.
Familial thoracic aortic aneurysm and aortic dissection (TAAD). Also called: Thoracic aortic aneurysms and dissections. Identifiers: Orphanet 91387, MedGen C4707243, MONDO:0019625.

Submission:

Labcorp Genetics (formerly Invitae), Labcorp
Classification: Uncertain significance for Marfan syndrome; Familial thoracic aortic aneurysm and aortic dissection. Last evaluated: 2024-08-22. Review status: criteria provided, single submitter. Criteria: Invitae Variant Classification Sherloc (09022015). Collection method: clinical testing. Allele origin: germline.
Comment: This sequence change falls in intron 61 of the FBN1 gene. It does not directly change the encoded amino acid sequence of the FBN1 protein. This variant is not present in population databases (gnomAD no frequency). This variant has not been reported in the literature in individuals affected with FBN1-related conditions. Algorithms developed to predict the effect of sequence changes on RNA splicing suggest that this variant may disrupt the consensus splice site. In summary, the available evidence is currently insufficient to determine the role of this variant in disease. Therefore, it has been classified as a Variant of Uncertain Significance.